The following is an entry in ClinVar:

ClinVar aggregate classification (germline): Pathogenic/Likely pathogenic. Review status: criteria provided, multiple submitters, no conflicts (2 of 4 stars). 2 submissions from 2 submitters: Pathogenic (1); Likely pathogenic (1). Last evaluated 2026-04-01.

Conditions:
COL2A1-related disorder. Also called: COL2A1-related condition; COL2A1-related disorders.

Submissions (2):

CeGaT Center for Human Genetics Tuebingen
Classification: Likely pathogenic. Last evaluated: 2026-04-01. Review status: criteria provided, single submitter. Criteria: CeGaT Center For Human Genetics Tuebingen Variant Classification Criteria Version 2. Collection method: clinical testing. Allele origin: germline. Affected: yes. Observed: 1 variant allele.
Comment: COL2A1: PM1:Strong, PM2, PM5:Supporting, PP3, PS4:Supporting

PreventionGenetics, part of Exact Sciences
Classification: Pathogenic for COL2A1-related condition. Last evaluated: 2024-11-12. Review status: criteria provided, single submitter. Criteria: ACMG Guidelines, 2015. Collection method: clinical testing. Allele origin: germline.
Comment: The COL2A1 c.2276G>A variant is predicted to result in the amino acid substitution p.Gly759Asp. This variant has been reported in an individual with spondyloepiphyseal dysplasia (Meredith et al. 2007. PubMed ID: 17347327). This variant has not been reported in a large population database (gnomAD), indicating this variant is rare. A different variant affecting the same amino acid (p.Gly759Ser) has been reported in individuals with Stickler syndrome (Table S1, Barat-Houari et al. 2016. PubMed ID: 26443184). This variant affects a Gly residue of the conserved triple helical region from amino acids 201-1214. Glycine substitutions in the triple helical region of COL2A1 are expected to be pathogenic (Barat-Houari et al. 2016. PubMed ID: 26626311). This variant is interpreted as pathogenic.

NM_001844.5(COL2A1):c.2276G>A (p.Gly759Asp)

Gene: COL2A1 (collagen type II alpha 1 chain; minus strand). Cytogenetic location: 12q13.11.
Variant type: single nucleotide variant.
Coding change: c.2276G>A on transcript NM_001844.5 (MANE Select); coding-DNA position 2276, G replaced by A.
Protein change: p.Gly759Asp; replaces glycine 759 with aspartic acid.
Molecular consequence: missense variant.
Genome position (GRCh38, 1-based): chr12:47,982,527, C>T on the plus strand (G>A on the coding strand, the complement: COL2A1 is on the minus strand). VCF-style: chr12-47982527-C-T. GRCh37 (hg19) VCF-style: chr12-48376310-C-T.
Other names: c.2069G>A, p.Gly690Asp (NM_033150.3); c.2276G>A (NM_001844.4); short protein forms G690D, G759D.
Identifiers: ClinVar variation 4874125 (VCV004874125.3).